The following is an entry in ClinVar:

ClinVar aggregate classification (germline): Uncertain significance (1 of 4 stars; one submission).

Submission:

Labcorp Genetics (formerly Invitae), Labcorp
Classification: Uncertain significance. Last evaluated: 2022-08-06. Review status: criteria provided, single submitter. Criteria: Invitae Variant Classification Sherloc (09022015). Collection method: clinical testing. Allele origin: germline.
Comment: This variant has not been reported in the literature in individuals affected with NLRP1-related conditions. This variant is not present in population databases (gnomAD no frequency). This sequence change replaces serine, which is neutral and polar, with asparagine, which is neutral and polar, at codon 299 of the NLRP1 protein (p.Ser299Asn). In summary, the available evidence is currently insufficient to determine the role of this variant in disease. Therefore, it has been classified as a Variant of Uncertain Significance. Algorithms developed to predict the effect of missense changes on protein structure and function output the following: SIFT: "Tolerated"; PolyPhen-2: "Benign"; Align-GVGD: "Class C0". The asparagine amino acid residue is found in multiple mammalian species, which suggests that this missense change does not adversely affect protein function.

NM_033004.4(NLRP1):c.896G>A (p.Ser299Asn)

Gene: NLRP1 (NLR family pyrin domain containing 1; minus strand). Cytogenetic location: 17p13.2.
Variant type: single nucleotide variant.
Coding change: c.896G>A on transcript NM_033004.4 (MANE Select); coding-DNA position 896, G replaced by A.
Protein change: p.Ser299Asn; replaces serine 299 with asparagine.
Molecular consequence: missense variant.
Genome position (GRCh38, 1-based): chr17:5,559,800, C>T on the plus strand (G>A on the coding strand, the complement: NLRP1 is on the minus strand). VCF-style: chr17-5559800-C-T. GRCh37 (hg19) VCF-style: chr17-5463120-C-T.
Other names: c.896G>A, p.Ser299Asn (NM_033007.4, NM_001033053.3, NM_014922.5 and 1 more transcripts); short protein forms S299N.
Identifiers: ClinVar variation 1715338 (VCV001715338.5), dbSNP rs2507942068, ClinGen allele CA397387692.
Genomic context (GRCh38, chr17:5,559,800, plus strand): 5'-CCAAATAAGTCTCTGATCTCAATTAAATGTCCTCGATTCTCCTCCACATAATCAGGCCAG[C>T]TTCTCTTGACCAGGGGATCTTGGCTTCTGGGGTGAGGTCTTTGTAGAAGTAGCAGCTGTG-3'
Protein context (NP_127497.1, residues 289-309): PRSQDPLVKR[Ser299Asn]WPDYVEENRG